The following is an entry in ClinVar:

NM_001252024.2(TRPM1):c.3771G>A (p.Ala1257=)

Gene: TRPM1 (transient receptor potential cation channel subfamily M member 1; minus strand). Cytogenetic location: 15q13.3.
Variant type: single nucleotide variant.
Coding change: c.3771G>A on transcript NM_001252024.2 (MANE Select); coding-DNA position 3771, G replaced by A.
Protein change: p.Ala1257=; no amino-acid change (alanine 1257 retained).
Molecular consequence: synonymous variant.
Genome position (GRCh38, 1-based): chr15:31,002,929, C>T on the plus strand (G>A on the coding strand, the complement: TRPM1 is on the minus strand). VCF-style: chr15-31002929-C-T. GRCh37 (hg19) VCF-style: chr15-31295132-C-T.
Other names: c.3822G>A, p.Ala1274= (NM_001252020.2); c.3705G>A, p.Ala1235= (NM_002420.6).
Identifiers: ClinVar variation 1467321 (VCV001467321.9), dbSNP rs749903579, ClinGen allele CA7451770.

ClinVar aggregate classification (germline): Uncertain significance. Review status: criteria provided, multiple submitters, no conflicts (2 of 4 stars). 2 submissions from 2 submitters: Uncertain significance (2). Last evaluated 2023-03-30.

Allele frequency attached by ClinVar (database versions not stated): ExAC 0.00001; gnomAD 0.00001; gnomAD exomes 0.00001 and 0.00002; TOPMed 0.00002.
gnomAD v4.1: 16 of 1,602,894 alleles (0.001%); highest among the groups gnomAD compares: East Asian, 0.0022%; no homozygotes.

Submissions (2):

Blueprint Genetics
Classification: Uncertain significance. Last evaluated: 2023-03-30. Review status: criteria provided, single submitter. Criteria: ACMG Guidelines, 2015. Collection method: clinical testing. Allele origin: germline.

Labcorp Genetics (formerly Invitae), Labcorp
Classification: Uncertain significance. Last evaluated: 2022-08-16. Review status: criteria provided, single submitter. Criteria: Invitae Variant Classification Sherloc (09022015). Collection method: clinical testing. Allele origin: germline.
Comment: In summary, the available evidence is currently insufficient to determine the role of this variant in disease. Therefore, it has been classified as a Variant of Uncertain Significance. Algorithms developed to predict the effect of sequence changes on RNA splicing suggest that this variant may create or strengthen a splice site. ClinVar contains an entry for this variant (Variation ID: 1467321). This variant has not been reported in the literature in individuals affected with TRPM1-related conditions. This variant is present in population databases (rs749903579, gnomAD 0.003%). This sequence change affects codon 1235 of the TRPM1 mRNA. It is a 'silent' change, meaning that it does not change the encoded amino acid sequence of the TRPM1 protein.